The following is an entry in ClinVar:

ClinVar aggregate classification (germline): Benign/Likely benign. Review status: criteria provided, multiple submitters, no conflicts (2 of 4 stars). 12 submissions from 12 submitters: Benign (5); Likely benign (4). 3 of the submissions do not count toward it. Last evaluated 2026-09-01.

Conditions:
Holoprosencephaly 9 (HPE9). Also called: HOLOPROSENCEPHALY WITH MICROPHTHALMIA AND FIRST BRANCHIAL ARCH ANOMALIES; PITUITARY ANOMALIES WITH HOLOPROSENCEPHALY-LIKE FEATURES. Identifiers: Orphanet 2162, MedGen C1835819, MONDO:0012563, OMIM 610829.
Postaxial polydactyly-anterior pituitary anomalies-facial dysmorphism syndrome. Also called: Culler-Jones syndrome. Identifiers: Orphanet 420584, MedGen C4014479, MONDO:0014369, OMIM 615849.

Allele frequency attached by ClinVar (database versions not stated): 1000 Genomes Project 0.00339; 1000 Genomes Project 30x 0.00390; gnomAD exomes 0.00864 and 0.01261; gnomAD 0.00865 and 0.00970; TOPMed 0.00916; ExAC 0.00992; ESP Exome Variant Server 0.01069.

Submissions (12):

CeGaT Center for Human Genetics Tuebingen
Classification: Benign. Last evaluated: 2026-09-01. Review status: criteria provided, single submitter. Criteria: CeGaT Center For Human Genetics Tuebingen Variant Classification Criteria Version 2. Collection method: clinical testing. Allele origin: germline. Affected: yes. Observed: 23 variant alleles.
Comment: GLI2: BP4, BS1, BS2

Women's Health and Genetics/Laboratory Corporation of America, LabCorp
Classification: Likely benign. Last evaluated: 2026-05-11. Review status: criteria provided, single submitter. Criteria: LabCorp Variant Classification Summary - May 2015. Collection method: clinical testing. Allele origin: germline.

Labcorp Genetics (formerly Invitae), Labcorp
Classification: Benign for Postaxial polydactyly-anterior pituitary anomalies-facial dysmorphism syndrome; Holoprosencephaly 9. Last evaluated: 2026-01-27. Review status: criteria provided, single submitter. Criteria: Invitae Variant Classification Sherloc (09022015). Collection method: clinical testing. Allele origin: germline.

Blueprint Genetics
Classification: Likely benign. Last evaluated: 2024-11-25. Review status: criteria provided, single submitter. Criteria: ACMG Guidelines, 2015. Collection method: clinical testing. Allele origin: germline.

GeneDx
Classification: Benign. Last evaluated: 2020-07-20. Review status: criteria provided, single submitter. Criteria: GeneDx Variant Classification Process June 2021. Collection method: clinical testing. Allele origin: germline. Affected: yes.
Comment: This variant is associated with the following publications: (PMID: 29165578, 24744436)

Illumina Laboratory Services, Illumina
Classification: Benign for Holoprosencephaly 9. Last evaluated: 2018-01-12. Review status: criteria provided, single submitter. Criteria: ICSL Variant Classification Criteria 13 December 2019. Collection method: clinical testing. Allele origin: germline.
Comment: This variant was observed in the ICSL laboratory as part of a predisposition screen in an ostensibly healthy population. It had not been previously curated by ICSL or reported in the Human Gene Mutation Database (HGMD: prior to June 1st, 2018), and was therefore a candidate for classification through an automated scoring system. Utilizing variant allele frequency, disease prevalence and penetrance estimates, and inheritance mode, an automated score was calculated to assess if this variant is too frequent to cause the disease. Based on the score and internal cut-off values, a variant classified as benign is not then subjected to further curation. The score for this variant resulted in a classification of benign for this disease.

Eurofins Ntd Llc (ga)
Classification: Benign. Last evaluated: 2015-02-17. Review status: criteria provided, single submitter. Criteria: EGL Classification Definitions 2015. Collection method: clinical testing. Allele origin: germline. Observed: 1 variant allele, 1 heterozygote.

Breakthrough Genomics
Classification: Likely benign. Review status: criteria provided, single submitter. Criteria: ACMG Guidelines, 2015. Collection method: not provided. Allele origin: germline. Inheritance: Autosomal dominant inheritance. Affected: yes.

PreventionGenetics, part of Exact Sciences
Classification: Likely benign. Review status: criteria provided, single submitter. Criteria: ACMG Guidelines, 2015. Collection method: clinical testing. Allele origin: germline.

Clinical Genetics, Academic Medical Center
Classification: Likely benign. Review status: no assertion criteria provided. Collection method: clinical testing. Allele origin: germline. Affected: yes. Study: VKGL Data-share Consensus. Not counted in ClinVar's aggregate classification.

Joint Genome Diagnostic Labs from Nijmegen and Maastricht, Radboudumc and MUMC+
Classification: Benign. Review status: no assertion criteria provided. Collection method: clinical testing. Allele origin: germline. Affected: yes. Study: VKGL Data-share Consensus. Not counted in ClinVar's aggregate classification.

Laboratory of Diagnostic Genome Analysis, Leiden University Medical Center (LUMC)
Classification: Likely benign. Review status: no assertion criteria provided. Collection method: clinical testing. Allele origin: germline. Affected: yes. Study: VKGL Data-share Consensus. Not counted in ClinVar's aggregate classification.

NM_001374353.1(GLI2):c.4003A>G (p.Met1335Val)

Gene: GLI2 (GLI family zinc finger 2; plus strand). Cytogenetic location: 2q14.2.
Variant type: single nucleotide variant.
Coding change: c.4003A>G on transcript NM_001374353.1 (MANE Select); coding-DNA position 4003, A replaced by G.
Protein change: p.Met1335Val; replaces methionine 1335 with valine.
Molecular consequence: missense variant.
Genome position (GRCh38, 1-based): chr2:120,989,968, A>G. VCF-style: chr2-120989968-A-G. GRCh37 (hg19) VCF-style: chr2-121747544-A-G.
Other names: c.4054A>G, p.Met1352Val (NM_001371271.1, NM_005270.5); c.3628A>G, p.Met1210Val (NM_001374354.1); short protein forms M1352V, M1210V, M1335V.
Identifiers: ClinVar variation 194231 (VCV000194231.51), dbSNP rs149140724, ClinGen allele CA201054.